The following is an entry in ClinVar:

NM_001369.3(DNAH5):c.6989-13T>C

Gene: DNAH5 (dynein axonemal heavy chain 5; minus strand). Cytogenetic location: 5p15.2.
Variant type: single nucleotide variant.
Coding change: c.6989-13T>C on transcript NM_001369.3 (MANE Select); 13 bases into the intron before coding-DNA position 6989, T replaced by C.
Molecular consequence: intron variant.
Genome position (GRCh38, 1-based): chr5:13,814,859, A>G on the plus strand (T>C on the coding strand, the complement: DNAH5 is on the minus strand). VCF-style: chr5-13814859-A-G. GRCh37 (hg19) VCF-style: chr5-13814968-A-G.
Identifiers: ClinVar variation 178747 (VCV000178747.20), dbSNP rs112344370, ClinGen allele CA182930.

ClinVar aggregate classification (germline): Benign. Review status: criteria provided, multiple submitters, no conflicts (2 of 4 stars). 7 submissions from 7 submitters: Benign (7). Last evaluated 2026-01-29.

Conditions:
Primary ciliary dyskinesia. Also called: Ciliary dyskinesia. Identifiers: Orphanet 244, MedGen C0008780, MONDO:0016575, HP:0012265.
Primary ciliary dyskinesia 3. Identifiers: Orphanet 244, MedGen C1837618, MONDO:0012085, OMIM 608644.

Allele frequency attached by ClinVar (database versions not stated): gnomAD exomes 0.00136 and 0.00379; ExAC 0.00457; 1000 Genomes Project 0.01438; gnomAD 0.01487 and 0.01579; 1000 Genomes Project 30x 0.01624; ESP Exome Variant Server 0.01630; TOPMed 0.01700.
gnomAD v4.1: 4,343 of 1,611,918 alleles (0.27%); highest among the groups gnomAD compares: African/African-American, 5.1%; 131 homozygotes.

Submissions (7):

Labcorp Genetics (formerly Invitae), Labcorp
Classification: Benign for Primary ciliary dyskinesia. Last evaluated: 2026-01-29. Review status: criteria provided, single submitter. Criteria: Invitae Variant Classification Sherloc (09022015). Collection method: clinical testing. Allele origin: germline.

ARUP Laboratories, Molecular Genetics and Genomics, ARUP Laboratories
Classification: Benign for Primary ciliary dyskinesia 3. Last evaluated: 2025-02-06. Review status: criteria provided, single submitter. Criteria: ARUP Molecular Germline Variant Investigation Process 2024. Collection method: clinical testing. Allele origin: germline.

GeneDx
Classification: Benign. Last evaluated: 2019-03-03. Review status: criteria provided, single submitter. Criteria: GeneDx Variant Classification Process June 2021. Collection method: clinical testing. Allele origin: germline. Affected: yes.

Illumina Laboratory Services, Illumina
Classification: Benign for Primary ciliary dyskinesia 3. Last evaluated: 2017-04-27. Review status: criteria provided, single submitter. Criteria: ICSL Variant Classification Criteria 13 December 2019. Collection method: clinical testing. Allele origin: germline.
Comment: This variant was observed as part of a predisposition screen in an ostensibly healthy population. A literature search was performed for the gene, cDNA change, and amino acid change (where applicable). No publications were found based on this search. Allele frequency data from public databases was too high to be consistent with this variant causing disease. Therefore, this variant is classified as benign.

Laboratory for Molecular Medicine, Mass General Brigham Personalized Medicine
Classification: Benign. Last evaluated: 2013-02-21. Review status: criteria provided, single submitter. Criteria: LMM Criteria. Collection method: clinical testing. Allele origin: germline. Observed: 2 variant alleles.
Comment: 6989-13T>C in intron 42 of DNAH5: This variant is not expected to have clinical significance because it has been identified in 4.8% (211/4406) of African Americ an chromosomes from a broad population by the NHLBI Exome Sequencing Project (dbSNP rs112344370).

Breakthrough Genomics
Classification: Benign. Review status: criteria provided, single submitter. Criteria: ACMG Guidelines, 2015. Collection method: not provided. Allele origin: germline. Inheritance: Autosomal recessive inheritance. Affected: yes.

PreventionGenetics, part of Exact Sciences
Classification: Benign. Review status: criteria provided, single submitter. Criteria: ACMG Guidelines, 2015. Collection method: clinical testing. Allele origin: germline.